The following is an entry in ClinVar:

NM_001374385.1(ATP8B1):c.2780C>T (p.Ala927Val)

Genes: ATP8B1 (ATPase phospholipid transporting 8B1; minus strand), ATP8B1-AS1 (ATP8B1 antisense RNA 1; plus strand). Cytogenetic location: 18q21.31.
Variant type: single nucleotide variant.
Coding change: c.2780C>T on transcript NM_001374385.1 (MANE Select); coding-DNA position 2780, C replaced by T.
Protein change: p.Ala927Val; replaces alanine 927 with valine.
Molecular consequence: missense variant.
Genome position (GRCh38, 1-based): chr18:57,655,345, G>A on the plus strand (C>T on the coding strand, the complement: ATP8B1 is on the minus strand). VCF-style: chr18-57655345-G-A. GRCh37 (hg19) VCF-style: chr18-55322577-G-A.
Other names: c.2630C>T, p.Ala877Val (NM_001374386.1); c.2780C>T, p.Ala927Val (NM_005603.6); short protein forms A877V, A927V.
Identifiers: ClinVar variation 3358357 (VCV003358357.1).
Genomic context (GRCh38, chr18:57,655,345, plus strand): 5'-ATCCTTATGTAAGACCATCGGCCATGCACCAGCAGTAGCCTCTGCAGATATCGGAACTGA[G>A]CAAAGGAATAGTCACTCGACATGACAGCTTGCATTCCTTCTTGTCCACTTATTCCAACGC-3'
Protein context (NP_001361314.1, residues 917-937): QAVMSSDYSF[Ala927Val]QFRYLQRLLL

ClinVar aggregate classification (germline): Uncertain significance (0 of 4 stars; one submission).

Conditions:
ATP8B1-related disorder. Also called: ATP8B1-related condition; ATP8B1-related disorders.

gnomAD v4.1: 42 of 1,614,048 alleles (0.0026%); highest among the groups gnomAD compares: Admixed American, 0.035%; no homozygotes.

Submission:

PreventionGenetics, part of Exact Sciences
Classification: Uncertain significance for ATP8B1-related condition. Last evaluated: 2024-09-06. Review status: no assertion criteria provided. Collection method: clinical testing. Allele origin: germline.
Comment: The ATP8B1 c.2780C>T variant is predicted to result in the amino acid substitution p.Ala927Val. To our knowledge, this variant has not been reported in the literature. This variant is reported in 0.048% of alleles in individuals of Latino descent in gnomAD. At this time, the clinical significance of this variant is uncertain due to the absence of conclusive functional and genetic evidence.